The following is an entry in ClinVar:

ClinVar aggregate classification (germline): Pathogenic. Review status: criteria provided, single submitter (1 of 4 stars). 2 submissions from 2 submitters: Pathogenic (1). 1 of the submissions does not count toward it. Last evaluated 2024-04-25.

Conditions:
Properdin deficiency, X-linked (CFPD). Also called: COMPLEMENT FACTOR PROPERDIN DEFICIENCY; PROPERDIN DEFICIENCY, TYPE I; PROPERDIN P FACTOR DEFICIENCY; Properdin deficiency, type 1. Identifiers: Orphanet 2966, MedGen C1839454, MONDO:0010713, OMIM 312060.

Submissions (2):

Labcorp Genetics (formerly Invitae), Labcorp
Classification: Pathogenic. Last evaluated: 2024-04-25. Review status: criteria provided, single submitter. Criteria: Invitae Variant Classification Sherloc (09022015). Collection method: clinical testing. Allele origin: germline.
Comment: This sequence change creates a premature translational stop signal (p.Arg161*) in the CFP gene. It is expected to result in an absent or disrupted protein product. Loss-of-function variants in CFP are known to be pathogenic (PMID: 8530058, 9476131, 10698340, 10909851, 19328743, 22229731). This variant is not present in population databases (gnomAD no frequency). This premature translational stop signal has been observed in individual(s) with clinical features of CFP-related conditions (PMID: 8530058). ClinVar contains an entry for this variant (Variation ID: 11181). Algorithms developed to predict the effect of sequence changes on RNA splicing suggest that this variant may disrupt the consensus splice site. For these reasons, this variant has been classified as Pathogenic.

OMIM
Classification: Pathogenic for PROPERDIN DEFICIENCY, TYPE I. Last evaluated: 1995-09-01. Review status: no assertion criteria provided. Collection method: literature only. Allele origin: germline. Not counted in ClinVar's aggregate classification.

Literature cited by the submitters: PubMed 8530058 (cited by Labcorp Genetics (formerly Invitae), Labcorp and OMIM); PubMed 9476131 (cited by Labcorp Genetics (formerly Invitae), Labcorp); PubMed 10698340 (cited by Labcorp Genetics (formerly Invitae), Labcorp); PubMed 10909851 (cited by Labcorp Genetics (formerly Invitae), Labcorp); PubMed 19328743 (cited by Labcorp Genetics (formerly Invitae), Labcorp); PubMed 22229731 (cited by Labcorp Genetics (formerly Invitae), Labcorp); PubMed 7151327 (cited by OMIM).

NM_001145252.3(CFP):c.481C>T (p.Arg161Ter)

Gene: CFP (complement factor properdin; minus strand). Cytogenetic location: Xp11.23.
Variant type: single nucleotide variant.
Coding change: c.481C>T on transcript NM_001145252.3 (MANE Select); coding-DNA position 481, C replaced by T.
Protein change: p.Arg161Ter; replaces arginine 161 with a stop codon.
Molecular consequence: nonsense.
Genome position (GRCh38, 1-based): chrX:47,627,564, G>A on the plus strand (C>T on the coding strand, the complement: CFP is on the minus strand). VCF-style: chrX-47627564-G-A. GRCh37 (hg19) VCF-style: chrX-47486963-G-A.
Other names: R134*; c.481C>T, p.Arg161Ter (NM_002621.2); short protein forms R161*.
Identifiers: ClinVar variation 11181 (VCV000011181.3), dbSNP rs132630258, ClinGen allele CA121391.